The following is an entry in ClinVar:

ClinVar aggregate classification (germline): Benign. Review status: criteria provided, multiple submitters, no conflicts (2 of 4 stars). 3 submissions from 3 submitters: Benign (3). Last evaluated 2026-01-26.

Conditions:
Bone mineral density quantitative trait locus 18 (BMND18). Also called: Bone mineral density QTL18, osteoporosis; OSTEOPOROSIS AND OSTEOPOROTIC FRACTURES, SUSCEPTIBILITY TO. Identifiers: Orphanet 391330, MedGen C3806712, OMIM 300910.

Allele frequency attached by ClinVar (database versions not stated): gnomAD exomes 0.00247 and 0.00708; ExAC 0.00876; gnomAD 0.02147 and 0.02260; TOPMed 0.02454; 1000 Genomes Project 0.02464; 1000 Genomes Project 30x 0.02622; ESP Exome Variant Server 0.02670.
gnomAD v4.1: 5,177 of 1,191,073 alleles (0.43%); highest among the groups gnomAD compares: African/African-American, 7.4%; 135 homozygotes.

Submissions (3):

Labcorp Genetics (formerly Invitae), Labcorp
Classification: Benign. Last evaluated: 2026-01-26. Review status: criteria provided, single submitter. Criteria: Invitae Variant Classification Sherloc (09022015). Collection method: clinical testing. Allele origin: germline.

ARUP Laboratories, Molecular Genetics and Genomics, ARUP Laboratories
Classification: Benign for Bone mineral density quantitative trait locus 18. Last evaluated: 2024-07-23. Review status: criteria provided, single submitter. Criteria: ARUP Molecular Germline Variant Investigation Process 2024. Collection method: clinical testing. Allele origin: germline.

GeneDx
Classification: Benign. Last evaluated: 2017-10-17. Review status: criteria provided, single submitter. Criteria: GeneDx Variant Classification (06012015). Collection method: clinical testing. Allele origin: germline. Affected: yes.
Comment: This variant is considered likely benign or benign based on one or more of the following criteria: it is a conservative change, it occurs at a poorly conserved position in the protein, it is predicted to be benign by multiple in silico algorithms, and/or has population frequency not consistent with disease.

NM_005032.7(PLS3):c.367+11T>C

Gene: PLS3 (plastin 3; plus strand). Cytogenetic location: Xq23.
Variant type: single nucleotide variant.
Coding change: c.367+11T>C on transcript NM_005032.7 (MANE Select); 11 bases into the intron after coding-DNA position 367, T replaced by C.
Molecular consequence: intron variant.
Genome position (GRCh38, 1-based): chrX:115,629,338, T>C. VCF-style: chrX-115629338-T-C. GRCh37 (hg19) VCF-style: chrX-114863650-T-C.
Other names: c.301+11T>C (NM_001282337.2); c.232+11T>C (NM_001282338.2); c.367+11T>C (NM_001136025.5); c.286+11T>C (NM_001172335.3).
Identifiers: ClinVar variation 516301 (VCV000516301.10), dbSNP rs112140311, ClinGen allele CA10496870.